The following is an entry in ClinVar:

NM_001142800.2(EYS):c.8003G>T (p.Cys2668Phe)

Gene: EYS (EGF-like photoreceptor maintenance factor; minus strand). Cytogenetic location: 6q12.
Variant type: single nucleotide variant.
Coding change: c.8003G>T on transcript NM_001142800.2 (MANE Select); coding-DNA position 8003, G replaced by T.
Protein change: p.Cys2668Phe; replaces cysteine 2668 with phenylalanine.
Molecular consequence: missense variant.
Genome position (GRCh38, 1-based): chr6:63,762,529, C>A on the plus strand (G>T on the coding strand, the complement: EYS is on the minus strand). VCF-style: chr6-63762529-C-A. GRCh37 (hg19) VCF-style: chr6-64472422-C-A.
Other names: c.8003G>T, p.Cys2668Phe (NM_001292009.2); short protein forms C2668F.
Identifiers: ClinVar variation 598124 (VCV000598124.12), dbSNP rs985211023, ClinGen allele CA140241320.

ClinVar aggregate classification (germline): Uncertain significance. Review status: criteria provided, multiple submitters, no conflicts (2 of 4 stars). 7 submissions from 7 submitters: Uncertain significance (6). 1 of the submissions does not count toward it. Last evaluated 2026-07-24.

Conditions:
Retinitis pigmentosa 25 (RP25). Identifiers: Orphanet 791, MedGen C1864446, MONDO:0011272, OMIM 602772.
EYS-related disorder. Also called: EYS-related condition.

Allele frequency attached by ClinVar (database versions not stated): gnomAD exomes 0.00002 and 0.00007; gnomAD 0.00003 and 0.00004; TOPMed 0.00009.
gnomAD v4.1: 38 of 1,550,286 alleles (0.0025%); highest among the groups gnomAD compares: Admixed American, 0.02%; no homozygotes.

Submissions (7):

PreventionGenetics, part of Exact Sciences
Classification: Uncertain significance for EYS-related condition. Last evaluated: 2026-07-24. Review status: criteria provided, single submitter. Criteria: ACMG Guidelines, 2015. Collection method: clinical testing. Allele origin: germline.
Comment: The EYS c.8003G>T variant is predicted to result in the amino acid substitution p.Cys2668Phe. This variant has been reported in cohort studies of retinitis pigmentosa; however it was unclear if a second EYS variant was detected in these cases (Gonzalez-del Pozo et al. 2011. PubMed ID: 22164218; Soares et al. 2023. PubMed ID: 36764454). This variant is reported in 0.027% of alleles in individuals of Latino descent in gnomAD. At this time, the clinical significance of this variant is uncertain due to the absence of conclusive functional and genetic evidence.

Women's Health and Genetics/Laboratory Corporation of America, LabCorp
Classification: Uncertain significance. Last evaluated: 2025-05-23. Review status: criteria provided, single submitter. Criteria: LabCorp Variant Classification Summary - May 2015. Collection method: clinical testing. Allele origin: germline.
Comment: Variant summary: EYS c.8003G>T (p.Cys2668Phe) results in a non-conservative amino acid change in the encoded protein sequence. Algorithms developed to predict the effect of missense changes on protein structure and function all suggest that this variant is likely to be disruptive. The variant allele was found at a frequency of 7e-05 in 156244 control chromosomes (gnomAD). This frequency is not significantly higher than estimated for a pathogenic variant in EYS causing Retinitis Pigmentosa (7e-05 vs 0.0034), allowing no conclusion about variant significance. c.8003G>T has been observed in an individual affected with Retinitis Pigmentosa who was compound heterozygous with a likely pathogenic variant (Soares_2023). These data do not allow any conclusion about variant significance. To our knowledge, no experimental evidence demonstrating an impact on protein function has been reported. The following publications have been ascertained in the context of this evaluation (PMID: 22164218, 36764454). ClinVar contains an entry for this variant (Variation ID: 598124). Based on the evidence outlined above, the variant was classified as uncertain significance.

Labcorp Genetics (formerly Invitae), Labcorp
Classification: Uncertain significance. Last evaluated: 2025-01-06. Review status: criteria provided, single submitter. Criteria: Invitae Variant Classification Sherloc (09022015). Collection method: clinical testing. Allele origin: germline.
Comment: This sequence change replaces cysteine, which is neutral and slightly polar, with phenylalanine, which is neutral and non-polar, at codon 2668 of the EYS protein (p.Cys2668Phe). This variant is present in population databases (no rsID available, gnomAD 0.02%). This missense change has been observed in individuals with clinical features of retinitis pigmentosa (PMID: 22164218, 36764454; internal data). ClinVar contains an entry for this variant (Variation ID: 598124). Invitae Evidence Modeling of protein sequence and biophysical properties (such as structural, functional, and spatial information, amino acid conservation, physicochemical variation, residue mobility, and thermodynamic stability) has been performed for this missense variant. However, the output from this modeling did not meet the statistical confidence thresholds required to predict the impact of this variant on EYS protein function. In summary, the available evidence is currently insufficient to determine the role of this variant in disease. Therefore, it has been classified as a Variant of Uncertain Significance.

Institute of Human Genetics, University of Leipzig Medical Center
Classification: Uncertain significance for Retinitis pigmentosa 25. Last evaluated: 2024-03-13. Review status: criteria provided, single submitter. Criteria: ACMG Guidelines, 2015. Collection method: clinical testing. Allele origin: unknown. Inheritance: Autosomal recessive inheritance. Affected: yes.
Comment: Criteria applied: PM3,PM2_SUP,PP3

Fulgent Genetics
Classification: Uncertain significance for Retinitis pigmentosa 25. Last evaluated: 2022-05-11. Review status: criteria provided, single submitter. Criteria: ACMG Guidelines, 2015. Collection method: clinical testing. Allele origin: unknown.

Eurofins Ntd Llc (ga)
Classification: Uncertain significance. Last evaluated: 2018-07-27. Review status: criteria provided, single submitter. Criteria: EGL ClinVar v180209 classification definitions. Collection method: clinical testing. Allele origin: germline. Observed: 1 variant allele, 1 heterozygote.

Natera, Inc.
Classification: Uncertain significance for Retinitis pigmentosa type 25. Last evaluated: 2020-10-30. Review status: no assertion criteria provided. Collection method: clinical testing. Allele origin: germline. Not counted in ClinVar's aggregate classification.

Literature cited by the submitters: PubMed 22164218 (cited by Women's Health and Genetics/Laboratory Corporation of America, LabCorp and Labcorp Genetics (formerly Invitae), Labcorp); PubMed 36764454 (cited by Women's Health and Genetics/Laboratory Corporation of America, LabCorp and Labcorp Genetics (formerly Invitae), Labcorp).